The following is an entry in ClinVar:

NM_005751.5(AKAP9):c.7217A>T (p.Asn2406Ile)

Gene: AKAP9 (A-kinase anchoring protein 9; plus strand). Cytogenetic location: 7q21.2.
Variant type: single nucleotide variant.
Coding change: c.7217A>T on transcript NM_005751.5 (MANE Select); coding-DNA position 7217, A replaced by T.
Protein change: p.Asn2406Ile; replaces asparagine 2406 with isoleucine.
Molecular consequence: missense variant.
Genome position (GRCh38, 1-based): chr7:92,079,350, A>T. VCF-style: chr7-92079350-A-T. GRCh37 (hg19) VCF-style: chr7-91708664-A-T.
Other names: c.1862A>T, p.Asn621Ile (NM_001379277.1); c.7193A>T, p.Asn2398Ile (NM_147185.3); short protein forms N2398I, N2406I, N621I.
Identifiers: ClinVar variation 2449789 (VCV002449789.2), dbSNP rs2535244901, ClinGen allele CA368135228.
Genomic context (GRCh38, chr7:92,079,350, plus strand): 5'-ATCAATTGGATGTGGTTATAGCTGAAAAGCTGGCCTTGGAACAGCAAGTAGAAACCGCTA[A>T]TGAAGAAATGACCTTCATGAAAAATGTACTTAAAGAAACCAATTTTAAAATGAATCAGCT-3'
Protein context (NP_005742.4, residues 2396-2416): LALEQQVETA[Asn2406Ile]EEMTFMKNVL

ClinVar aggregate classification (germline): Uncertain significance (1 of 4 stars; one submission).

Conditions:
Cardiovascular phenotype. Identifiers: MedGen CN230736.

Submission:

Ambry Genetics
Classification: Uncertain significance for Cardiovascular phenotype. Last evaluated: 2023-02-19. Review status: criteria provided, single submitter. Criteria: Ambry Variant Classification Scheme 2023. Collection method: clinical testing. Allele origin: germline.
Comment: The p.N2406I variant (also known as c.7217A>T), located in coding exon 31 of the AKAP9 gene, results from an A to T substitution at nucleotide position 7217. The asparagine at codon 2406 is replaced by isoleucine, an amino acid with dissimilar properties. This amino acid position is conserved. In addition, this alteration is predicted to be tolerated by in silico analysis. Since supporting evidence is limited at this time, the clinical significance of this alteration remains unclear.